The following is an entry in ClinVar:

ClinVar aggregate classification (germline): Likely pathogenic (0 of 4 stars; one submission).

Conditions:
Syndromic microphthalmia type 5 (MCOPS5). Also called: RETINAL DYSTROPHY, EARLY-ONSET, WITH PITUITARY DYSFUNCTION; RETINAL DYSTROPHY, EARLY-ONSET, WITHOUT PITUITARY DYSFUNCTION. Identifiers: Orphanet 178364, MedGen C1864690, MONDO:0012413, OMIM 610125.

Submission:

Solve-RD Consortium
Classification: Likely pathogenic for Syndromic microphthalmia type 5. Last evaluated: 2024-06-01. Review status: no assertion criteria provided. Collection method: provider interpretation. Allele origin: germline. Affected: yes.
Comment: This CNV was confirmed by the submitting clinician to impact a gene that corresponds with the phenotype of the affected individual, and thus deemed to be causative for their condition.

Literature cited by the submitters: PubMed 39825153.

GRCh37/hg19 14q22.2-22.3(chr14:54866611-57272174)x1

Genes: ATG14 (autophagy related 14; minus strand), CDKN3 (cyclin dependent kinase inhibitor 3; plus strand), CGRRF1 (cell growth regulator with ring finger domain 1; plus strand), CNIH1 (cornichon family member 1; minus strand), DLGAP5 (DLG associated protein 5; minus strand) and 13 more. Cytogenetic location: 14q22.2-22.3.
Variant type: copy number loss.
Change: copy number 1 (one copy instead of two) of chr14:54,866,611-57,272,174 (2.41 Mb, GRCh37 coordinates, 1-based), cytogenetic band 14q22.2-22.3.
Identifiers: ClinVar variation 3338471 (VCV003338471.1).